The following is an entry in ClinVar:

ClinVar aggregate classification (germline): Uncertain significance (1 of 4 stars; one submission).

Submission:

GeneDx
Classification: Uncertain significance. Last evaluated: 2024-05-28. Review status: criteria provided, single submitter. Criteria: GeneDx Variant Classification Process June 2021. Collection method: clinical testing. Allele origin: germline.
Comment: In silico analysis supports that this missense variant has a deleterious effect on protein structure/function; In addition, in silico analysis supports a deleterious effect on splicing; Not observed at significant frequency in large population cohorts (gnomAD); This variant is associated with the following publications: (PMID: 25525159, 17564970)

NM_001371596.2(MFSD8):c.697A>G (p.Arg233Gly)

Gene: MFSD8 (major facilitator superfamily domain containing 8; minus strand). Cytogenetic location: 4q28.2.
Variant type: single nucleotide variant.
Coding change: c.697A>G on transcript NM_001371596.2 (MANE Select); coding-DNA position 697, A replaced by G.
Protein change: p.Arg233Gly; replaces arginine 233 with glycine.
Molecular consequence: missense variant. On other transcripts: intron variant (5).
Genome position (GRCh38, 1-based): chr4:127,939,854, T>C on the plus strand (A>G on the coding strand, the complement: MFSD8 is on the minus strand). VCF-style: chr4-127939854-T-C. GRCh37 (hg19) VCF-style: chr4-128861009-T-C.
Other names: c.562A>G, p.Arg188Gly (NM_001371590.2); c.697A>G, p.Arg233Gly (NM_001371591.2, NM_152778.4); c.703A>G, p.Arg235Gly (NM_001371592.2); c.583A>G, p.Arg195Gly (NM_001371593.2, NM_001410766.1); c.419-1018A>G (NM_001371595.1); c.304+3898A>G (NM_001410765.1); c.439+3898A>G (NM_001363521.3); c.553+2191A>G (NM_001363520.3); and 1 more; short protein forms R188G, R195G, R233G, R235G.
Identifiers: ClinVar variation 2663698 (VCV002663698.2), dbSNP rs2546137671, ClinGen allele CA358175306.